The following is an entry in ClinVar:

NM_001903.5(CTNNA1):c.116T>G (p.Leu39Arg)

Gene: CTNNA1 (catenin alpha 1; plus strand). Cytogenetic location: 5q31.2.
Variant type: single nucleotide variant.
Coding change: c.116T>G on transcript NM_001903.5 (MANE Select); coding-DNA position 116, T replaced by G.
Protein change: p.Leu39Arg; replaces leucine 39 with arginine.
Molecular consequence: missense variant. On other transcripts: 5 prime UTR variant (1), intron variant (1).
Genome position (GRCh38, 1-based): chr5:138,783,187, T>G. VCF-style: chr5-138783187-T-G. GRCh37 (hg19) VCF-style: chr5-138118876-T-G.
Other names: c.116T>G (NM_001903.2); c.116T>G, p.Leu39Arg (NM_001290307.3, NM_001323982.2, NM_001323983.1 and 3 more transcripts); c.-91T>G (NM_001290310.3); c.-9+1158T>G (NM_001290309.3); short protein forms L39R.
Identifiers: ClinVar variation 851571 (VCV000851571.11), dbSNP rs967449848, ClinGen allele CA128716553.
Genomic context (GRCh38, chr5:138,783,187, plus strand): 5'-GTTTGTCATTTTAATTGACTCCAGTTTAATGTTAAAAATGAAACTTTTAGGTTACAACCC[T>G]TGTAAACACCAATAGTAAAGGGCCCTCTAATAAGAAGAGAGGTCGTTCTAAGAAGGCCCA-3'
Protein context (NP_001894.2, residues 29-49): LEPLVTQVTT[Leu39Arg]VNTNSKGPSN

ClinVar aggregate classification (germline): Uncertain significance. Review status: criteria provided, multiple submitters, no conflicts (2 of 4 stars). 2 submissions from 2 submitters: Uncertain significance (2). Last evaluated 2023-06-26.

Conditions:
Hereditary cancer-predisposing syndrome. Also called: Tumor predisposition; Neoplastic Syndromes, Hereditary; Hereditary neoplastic syndrome; Hereditary Cancer Syndrome. Identifiers: Orphanet 140162, MedGen C0027672, MeSH D009386, MONDO:0015356.

Submissions (2):

Ambry Genetics
Classification: Uncertain significance for Hereditary cancer-predisposing syndrome. Last evaluated: 2023-06-26. Review status: criteria provided, single submitter. Criteria: Ambry Variant Classification Scheme 2023. Collection method: clinical testing. Allele origin: germline.
Comment: The p.L39R variant (also known as c.116T>G), located in coding exon 2 of the CTNNA1 gene, results from a T to G substitution at nucleotide position 116. The leucine at codon 39 is replaced by arginine, an amino acid with dissimilar properties. In one study, this alteration was identified in 1/151,425 individuals who underwent multi-gene germline genetic testing and classified as a variant of uncertain significance by the authors (Clark DF et al. Genet Med, 2020 May;22:840-846). This amino acid position is highly conserved in available vertebrate species. In addition, this alteration is predicted to be deleterious by in silico analysis. Since supporting evidence is limited at this time, the clinical significance of this alteration remains unclear.

Labcorp Genetics (formerly Invitae), Labcorp
Classification: Uncertain significance. Last evaluated: 2019-01-26. Review status: criteria provided, single submitter. Criteria: Invitae Variant Classification Sherloc (09022015). Collection method: clinical testing. Allele origin: germline.
Comment: In summary, the available evidence is currently insufficient to determine the role of this variant in disease. Therefore, it has been classified as a Variant of Uncertain Significance. Algorithms developed to predict the effect of missense changes on protein structure and function are either unavailable or do not agree on the potential impact of this missense change (SIFT: "Deleterious"; PolyPhen-2: "Probably Damaging"; Align-GVGD: "Class C0"). This variant has not been reported in the literature in individuals with CTNNA1-related conditions. This variant is not present in population databases (ExAC no frequency). This sequence change replaces leucine with arginine at codon 39 of the CTNNA1 protein (p.Leu39Arg). The leucine residue is highly conserved and there is a moderate physicochemical difference between leucine and arginine.

Literature cited by the submitters: PubMed 32051609 (cited by Ambry Genetics).